The following is an entry in ClinVar:

NM_182978.4(GNAL):c.377-1344G>A

Gene: GNAL (G protein subunit alpha L; plus strand). Cytogenetic location: 18p11.21.
Variant type: single nucleotide variant.
Coding change: c.377-1344G>A on transcript NM_182978.4 (MANE Select); 1344 bases into the intron before coding-DNA position 377, G replaced by A.
Molecular consequence: intron variant. On other transcripts: splice donor variant (1).
Genome position (GRCh38, 1-based): chr18:11,751,509, G>A. VCF-style: chr18-11751509-G-A. GRCh37 (hg19) VCF-style: chr18-11751508-G-A.
Other names: c.-103+1G>A (NM_001261443.2).
Identifiers: ClinVar variation 2499400 (VCV002499400.1), dbSNP rs2510258048, ClinGen allele CA2576457141.

ClinVar aggregate classification (germline): Uncertain significance (1 of 4 stars; one submission).

Allele frequency attached by ClinVar (database versions not stated): gnomAD exomes below 0.00001.
gnomAD v4.1: 1 of 985,538 alleles (0.0001%); highest among the groups gnomAD compares: Non-Finnish European, 0.00012%; no homozygotes.

Submission:

GeneDx
Classification: Uncertain significance. Last evaluated: 2022-10-15. Review status: criteria provided, single submitter. Criteria: GeneDx Variant Classification Process June 2021. Collection method: clinical testing. Allele origin: germline. Affected: yes.
Comment: In silico analysis supports a deleterious effect on splicing; No data available from control populations to assess the frequency of this variant; Has not been previously published as pathogenic or benign to our knowledge; Reported using an alternate transcript of the gene